The following is an entry in ClinVar:

ClinVar aggregate classification (germline): Uncertain significance (1 of 4 stars; one submission).

Conditions:
Hereditary cancer-predisposing syndrome. Also called: Tumor predisposition; Hereditary Cancer Syndrome; Hereditary neoplastic syndrome; Neoplastic Syndromes, Hereditary. Identifiers: Orphanet 140162, MedGen C0027672, MeSH D009386, MONDO:0015356.

Submission:

Ambry Genetics
Classification: Uncertain significance for Hereditary cancer-predisposing syndrome. Last evaluated: 2023-10-06. Review status: criteria provided, single submitter. Criteria: Ambry Variant Classification Scheme 2023. Collection method: clinical testing. Allele origin: germline.
Comment: The p.S2489C variant (also known as c.7466C>G), located in coding exon 49 of the ATM gene, results from a C to G substitution at nucleotide position 7466. The serine at codon 2489 is replaced by cysteine, an amino acid with dissimilar properties. This amino acid position is conserved. In addition, this alteration is predicted to be deleterious by in silico analysis. Since supporting evidence is limited at this time, the clinical significance of this alteration remains unclear.

NM_000051.4(ATM):c.7466C>G (p.Ser2489Cys)

Genes: ATM (ATM serine/threonine kinase; plus strand), C11orf65 (chromosome 11 open reading frame 65; minus strand). Cytogenetic location: 11q22.3.
Variant type: single nucleotide variant.
Coding change: c.7466C>G on transcript NM_000051.4 (MANE Select); coding-DNA position 7466, C replaced by G.
Protein change: p.Ser2489Cys; replaces serine 2489 with cysteine.
Molecular consequence: missense variant. On other transcripts: intron variant (2).
Genome position (GRCh38, 1-based): chr11:108,330,372, C>G. VCF-style: chr11-108330372-C-G. GRCh37 (hg19) VCF-style: chr11-108201099-C-G.
Other names: c.7466C>G, p.Ser2489Cys (NM_001351834.2); c.641-21301G>C (NM_001330368.2); c.*38+4848G>C (NM_001351110.2); short protein forms S2489C.
Identifiers: ClinVar variation 3222903 (VCV003222903.1), dbSNP rs759728261, ClinGen allele CA382560416.